The following is an entry in ClinVar:

ClinVar aggregate classification (germline): Benign/Likely benign. Review status: criteria provided, multiple submitters, no conflicts (2 of 4 stars). 3 submissions from 3 submitters: Benign (2); Likely benign (1). Last evaluated 2026-04-01.

Allele frequency attached by ClinVar (database versions not stated): 1000 Genomes Project 30x 0.00031; gnomAD 0.00212 and 0.00219; TOPMed 0.00222; ESP Exome Variant Server 0.00223; gnomAD exomes 0.00226; ExAC 0.00561.
gnomAD v4.1: 5,323 of 1,572,348 alleles (0.34%); highest among the groups gnomAD compares: Middle Eastern, 0.52%; 16 homozygotes.

Submissions (3):

CeGaT Center for Human Genetics Tuebingen
Classification: Likely benign. Last evaluated: 2026-04-01. Review status: criteria provided, single submitter. Criteria: CeGaT Center For Human Genetics Tuebingen Variant Classification Criteria Version 2. Collection method: clinical testing. Allele origin: germline. Affected: yes. Observed: 11 variant alleles.
Comment: DPP9: BS2

Labcorp Genetics (formerly Invitae), Labcorp
Classification: Benign. Last evaluated: 2018-07-18. Review status: criteria provided, single submitter. Criteria: Invitae Variant Classification Sherloc (09022015). Collection method: clinical testing. Allele origin: germline.

Breakthrough Genomics
Classification: Benign. Review status: criteria provided, single submitter. Criteria: ACMG Guidelines, 2015. Collection method: not provided. Allele origin: germline. Inheritance: Unknown mechanism. Affected: yes.

NM_139159.5(DPP9):c.1696G>A (p.Glu566Lys)

Gene: DPP9 (dipeptidyl peptidase 9; minus strand). Cytogenetic location: 19p13.3.
Variant type: single nucleotide variant.
Coding change: c.1696G>A on transcript NM_139159.5 (MANE Select); coding-DNA position 1696, G replaced by A.
Protein change: p.Glu566Lys; replaces glutamic acid 566 with lysine.
Molecular consequence: missense variant. On other transcripts: non-coding transcript variant (1).
Genome position (GRCh38, 1-based): chr19:4,689,623, C>T on the plus strand (G>A on the coding strand, the complement: DPP9 is on the minus strand). VCF-style: chr19-4689623-C-T. GRCh37 (hg19) VCF-style: chr19-4689635-C-T.
Other names: short protein forms E566K.
Identifiers: ClinVar variation 717743 (VCV000717743.27), dbSNP rs200229921, ClinGen allele CA9103971.
Genomic context (GRCh38, chr19:4,689,623, plus strand): 5'-GTCCCACCTGGCTCATGGAGCAGCTATGGGAGAAGCCGGGCGTGGTGAGGCGTACGATCT[C>T]GCCGGCCGCCTCATAGCTGACCACGTAGAGGTGGTGCTCCAGCGGCGTGTCCTTGGTGCC-3'
Protein context (NP_631898.3, residues 556-576): LYVVSYEAAG[Glu566Lys]IVRLTTPGFS